The following is an entry in ClinVar:

ClinVar aggregate classification (germline): Benign/Likely benign. Review status: criteria provided, multiple submitters, no conflicts (2 of 4 stars). 4 submissions from 2 submitters: Benign (2); Likely benign (2). Last evaluated 2021-05-12.

Conditions:
Osteogenesis imperfecta (OI). Identifiers: Orphanet 666, MedGen C0029434, MeSH D010013, MONDO:0019019.
Infantile cortical hyperostosis. Also called: P1PK BLOOD GROUP SYSTEM, P(2) PHENOTYPE; Hyperostosis, Cortical, Congenital; Caffey Disease. Identifiers: Orphanet 1310, MedGen C0020497, MONDO:0007244, OMIM 114000.
Ehlers-Danlos syndrome, arthrochalasia type. Also called: ARTHROCHALASIS MULTIPLEX CONGENITA; EDS VII, MUTANT PROCOLLAGEN TYPE; EDS VIIA; Ehlers-Danlos syndrome, arthrochalasia type, 1; Ehlers-Danlos syndrome, arthrochalasis type. Identifiers: Orphanet 1899, Orphanet 99875, Orphanet 99876, MedGen C4551623, MONDO:0007525, OMIM 130060.

Allele frequency attached by ClinVar (database versions not stated): gnomAD exomes 0.00126; gnomAD 0.00496 and 0.00516; TOPMed 0.00570; 1000 Genomes Project 0.00639; 1000 Genomes Project 30x 0.00671.
gnomAD v4.1: 846 of 231,244 alleles (0.37%); highest among the groups gnomAD compares: African/African-American, 1.7%; 9 homozygotes.

Submissions (4):

GeneDx
Classification: Likely benign. Last evaluated: 2021-05-12. Review status: criteria provided, single submitter. Criteria: GeneDx Variant Classification Process June 2021. Collection method: clinical testing. Allele origin: germline. Affected: yes.

Illumina Laboratory Services, Illumina
Classification: Benign for Ehlers-Danlos syndrome, arthrochalasia type. Last evaluated: 2018-01-13. Review status: criteria provided, single submitter. Criteria: ICSL Variant Classification Criteria 13 December 2019. Collection method: clinical testing. Allele origin: germline.
Comment: This variant was observed in the ICSL laboratory as part of a predisposition screen in an ostensibly healthy population. It had not been previously curated by ICSL or reported in the Human Gene Mutation Database (HGMD: prior to June 1st, 2018), and was therefore a candidate for classification through an automated scoring system. Utilizing variant allele frequency, disease prevalence and penetrance estimates, and inheritance mode, an automated score was calculated to assess if this variant is too frequent to cause the disease. Based on the score and internal cut-off values, a variant classified as benign is not then subjected to further curation. The score for this variant resulted in a classification of benign for this disease.

Illumina Laboratory Services, Illumina
Classification: Likely benign for Infantile cortical hyperostosis. Last evaluated: 2018-01-13. Review status: criteria provided, single submitter. Criteria: ICSL Variant Classification Criteria 13 December 2019. Collection method: clinical testing. Allele origin: germline.
Comment: This variant was observed in the ICSL laboratory as part of a predisposition screen in an ostensibly healthy population. It had not been previously curated by ICSL or reported in the Human Gene Mutation Database (HGMD: prior to June 1st, 2018), and was therefore a candidate for classification through an automated scoring system. Utilizing variant allele frequency, disease prevalence and penetrance estimates, and inheritance mode, an automated score was calculated to assess if this variant is too frequent to cause the disease. Based on the score and internal cut-off values, a variant classified as likely benign is not then subjected to further curation. The score for this variant resulted in a classification of likely benign for this disease.

Illumina Laboratory Services, Illumina
Classification: Benign for Osteogenesis imperfecta. Last evaluated: 2018-01-13. Review status: criteria provided, single submitter. Criteria: ICSL Variant Classification Criteria 13 December 2019. Collection method: clinical testing. Allele origin: germline.
Comment: the same text as in the submission from Illumina Laboratory Services, Illumina above.

NM_000088.4(COL1A1):c.*1233G>A

Gene: COL1A1 (collagen type I alpha 1 chain; minus strand). Cytogenetic location: 17q21.33.
Variant type: single nucleotide variant.
Coding change: c.*1233G>A on transcript NM_000088.4 (MANE Select); 1233 bases downstream of the stop codon, G replaced by A.
Molecular consequence: 3 prime UTR variant.
Genome position (GRCh38, 1-based): chr17:50,184,269, C>T on the plus strand (G>A on the coding strand, the complement: COL1A1 is on the minus strand). VCF-style: chr17-50184269-C-T. GRCh37 (hg19) VCF-style: chr17-48261630-C-T.
Identifiers: ClinVar variation 324056 (VCV000324056.6), dbSNP rs73987442, ClinGen allele CA10646163.
Genomic context (GRCh38, chr17:50,184,269, plus strand): 5'-CTAGGGGGAAAAACTGCTTTGTGCTTTGGGAAGTTGTCTCTGAAACCCGGGGACAGAGGA[C>T]GCAGGACAGACTAGGAGGGAGCCGGGAGGATGGGCTGCAGCTGTGGAGGAGGGTTTCAGA-3'